The following is an entry in ClinVar:

NM_177531.6(PKHD1L1):c.8452_8468del (p.Leu2818fs)

Gene: PKHD1L1 (PKHD1 like 1; plus strand). Cytogenetic location: 8q23.1.
Variant type: Deletion.
Coding change: c.8452_8468del on transcript NM_177531.6 (MANE Select); coding-DNA positions 8452 to 8468, 17 bases deleted (CTAGACCCTTCTCATTG).
Protein change: p.Leu2818fs; shifts the reading frame from leucine 2818.
Molecular consequence: frameshift variant.
Genome position (GRCh38, 1-based): chr8:109,466,616-109,466,632, CTAGACCCTTCTCATTG deleted; deleting any 17 consecutive bases within chr8:109,466,609-109,466,632 gives the same sequence; the c. name uses the placement nearest the transcript's 3' end. VCF-style (leftmost placement, unchanged base first): chr8-109466608-GCTCATTGCTAGACCCTT-G. GRCh37 (hg19) VCF-style: chr8-110478837-GCTCATTGCTAGACCCTT-G.
Other names: short protein forms L2818fs.
Identifiers: ClinVar variation 3220947 (VCV003220947.2), dbSNP rs746243573, ClinGen allele CA4846046.

ClinVar aggregate classification (germline): Pathogenic. Review status: criteria provided, single submitter (1 of 4 stars). 2 submissions from 2 submitters: Pathogenic (1). 1 of the submissions does not count toward it. Last evaluated 2025-01-27.

Conditions:
Autosomal recessive nonsyndromic hearing loss 124. Also called: DEAFNESS, AUTOSOMAL RECESSIVE 124. Identifiers: MedGen C5935612, MONDO:0968981, OMIM 620794.

Submissions (2):

First Genomix Gene Laboratory, Genetic Diagnostics Department
Classification: Pathogenic for Autosomal recessive nonsyndromic hearing loss 124. Last evaluated: 2025-01-27. Review status: criteria provided, single submitter. Criteria: ACMG Guidelines, 2015. Collection method: clinical testing. Allele origin: germline. Inheritance: Autosomal recessive inheritance. Affected: no. Observed: 1 variant allele.

OMIM
Classification: Pathogenic for DEAFNESS, AUTOSOMAL RECESSIVE 124. Last evaluated: 2024-04-23. Review status: no assertion criteria provided. Collection method: literature only. Allele origin: germline. Not counted in ClinVar's aggregate classification.

Literature cited by the submitters: PubMed 38459354 (cited by OMIM).